The following is an entry in ClinVar:

ClinVar aggregate classification (germline): Conflicting classifications of pathogenicity. Review status: criteria provided, conflicting classifications (1 of 4 stars). 2 submissions from 2 submitters: Uncertain significance (1); Likely benign (1). Last evaluated 2023-03-23.

Conditions:
Hereditary cancer-predisposing syndrome. Also called: Hereditary Cancer Syndrome; Tumor predisposition; Hereditary neoplastic syndrome; Neoplastic Syndromes, Hereditary. Identifiers: Orphanet 140162, MedGen C0027672, MeSH D009386, MONDO:0015356.
Hereditary breast ovarian cancer syndrome. Also called: Hereditary breast and/or ovarian cancer syndrome; Hereditary breast and ovarian cancer syndrome; Hereditary breast and ovarian cancer syndrome (HBOC); Breast and ovarian cancer; Hereditary breast and ovarian cancer; BRCA1- and BRCA2-Associated Hereditary Breast and Ovarian Cancer. Identifiers: Orphanet 145, MedGen C0677776, MeSH D061325, MONDO:0003582. Disease mechanism: loss of function.

Submissions (2):

University of Washington Department of Laboratory Medicine, University of Washington
Classification: Likely benign for Hereditary cancer-predisposing syndrome. Last evaluated: 2023-03-23. Review status: criteria provided, single submitter. Criteria: Dines et al. (Genet Med. 2020). Collection method: curation. Allele origin: germline.
Comment: Missense variant in a coldspot region where missense variants are very unlikely to be pathogenic (PMID:31911673).

BRCA2 exon 11 coldspot. Reclassification based on statistical prior probability.

Labcorp Genetics (formerly Invitae), Labcorp
Classification: Uncertain significance for Hereditary breast ovarian cancer syndrome. Last evaluated: 2020-10-12. Review status: criteria provided, single submitter. Criteria: Invitae Variant Classification Sherloc (09022015). Collection method: clinical testing. Allele origin: germline.
Comment: In summary, the available evidence is currently insufficient to determine the role of this variant in disease. Therefore, it has been classified as a Variant of Uncertain Significance. Algorithms developed to predict the effect of missense changes on protein structure and function are either unavailable or do not agree on the potential impact of this missense change (SIFT: "Tolerated"; PolyPhen-2: "Possibly Damaging"; Align-GVGD: "Class C0"). This variant has not been reported in the literature in individuals with BRCA2-related conditions. This variant is not present in population databases (ExAC no frequency). This sequence change replaces glutamic acid with aspartic acid at codon 2115 of the BRCA2 protein (p.Glu2115Asp). The glutamic acid residue is weakly conserved and there is a small physicochemical difference between glutamic acid and aspartic acid.

NM_000059.4(BRCA2):c.6345G>C (p.Glu2115Asp)

Gene: BRCA2 (BRCA2 DNA repair associated; plus strand). Cytogenetic location: 13q13.1.
Variant type: single nucleotide variant.
Coding change: c.6345G>C on transcript NM_000059.4 (MANE Select); coding-DNA position 6345, G replaced by C.
Protein change: p.Glu2115Asp; replaces glutamic acid 2115 with aspartic acid.
Molecular consequence: missense variant.
Genome position (GRCh38, 1-based): chr13:32,340,700, G>C. VCF-style: chr13-32340700-G-C. GRCh37 (hg19) VCF-style: chr13-32914837-G-C.
Other names: short protein forms E2115D.
Identifiers: ClinVar variation 1046167 (VCV001046167.13), dbSNP rs1432047332, ClinGen allele CA387789114.